The following is an entry in ClinVar:

ClinVar aggregate classification (germline): Uncertain significance. Review status: criteria provided, multiple submitters, no conflicts (2 of 4 stars). 2 submissions from 2 submitters: Uncertain significance (2). Last evaluated 2025-02-13.

Allele frequency attached by ClinVar (database versions not stated): gnomAD 0.00008; TOPMed 0.00008; ESP Exome Variant Server 0.00015; 1000 Genomes Project 30x 0.00016; ExAC 0.00018; 1000 Genomes Project 0.00020.
gnomAD v4.1: 128 of 1,614,150 alleles (0.0079%); highest among the groups gnomAD compares: South Asian, 0.063%; 1 homozygote.

Submissions (2):

Ambry Genetics
Classification: Uncertain significance. Last evaluated: 2025-02-13. Review status: criteria provided, single submitter. Criteria: Ambry Variant Classification Scheme 2023. Collection method: clinical testing. Allele origin: germline.

Labcorp Genetics (formerly Invitae), Labcorp
Classification: Uncertain significance. Last evaluated: 2023-06-23. Review status: criteria provided, single submitter. Criteria: Invitae Variant Classification Sherloc (09022015). Collection method: clinical testing. Allele origin: germline.
Comment: In summary, the available evidence is currently insufficient to determine the role of this variant in disease. Therefore, it has been classified as a Variant of Uncertain Significance. This variant is present in population databases (rs372521889, gnomAD 0.08%), and has an allele count higher than expected for a pathogenic variant. Advanced modeling of protein sequence and biophysical properties (such as structural, functional, and spatial information, amino acid conservation, physicochemical variation, residue mobility, and thermodynamic stability) performed at Invitae indicates that this missense variant is expected to disrupt ERMARD protein function. ClinVar contains an entry for this variant (Variation ID: 2235582). This variant has not been reported in the literature in individuals affected with ERMARD-related conditions. This sequence change replaces glycine, which is neutral and non-polar, with valine, which is neutral and non-polar, at codon 425 of the ERMARD protein (p.Gly425Val).

NM_018341.3(ERMARD):c.1274G>T (p.Gly425Val)

Gene: ERMARD (ER membrane associated RNA degradation; plus strand). Cytogenetic location: 6q27.
Variant type: single nucleotide variant.
Coding change: c.1274G>T on transcript NM_018341.3 (MANE Select); coding-DNA position 1274, G replaced by T.
Protein change: p.Gly425Val; replaces glycine 425 with valine.
Molecular consequence: missense variant.
Genome position (GRCh38, 1-based): chr6:169,773,359, G>T. VCF-style: chr6-169773359-G-T. GRCh37 (hg19) VCF-style: chr6-170173455-G-T.
Other names: c.1274G>T, p.Gly425Val (NM_001278531.2, NM_001278533.2); c.896G>T, p.Gly299Val (NM_001278532.2); c.866G>T, p.Gly289Val (NM_001410957.1); short protein forms G299V, G289V, G425V.
Identifiers: ClinVar variation 2235582 (VCV002235582.6), dbSNP rs372521889, ClinGen allele CA4106184.